The following is an entry in ClinVar:

NM_001348800.3(ZBTB20):c.1366G>C (p.Val456Leu)

Gene: ZBTB20 (zinc finger and BTB domain containing 20; minus strand). Cytogenetic location: 3q13.31.
Variant type: single nucleotide variant.
Coding change: c.1366G>C on transcript NM_001348800.3 (MANE Select); coding-DNA position 1366, G replaced by C.
Protein change: p.Val456Leu; replaces valine 456 with leucine.
Molecular consequence: missense variant.
Genome position (GRCh38, 1-based): chr3:114,350,712, C>G on the plus strand (G>C on the coding strand, the complement: ZBTB20 is on the minus strand). VCF-style: chr3-114350712-C-G. GRCh37 (hg19) VCF-style: chr3-114069559-C-G.
Other names: c.1366G>C (NM_001164342.1); c.1366G>C, p.Val456Leu (NM_001164342.2, NM_001348803.3, NM_001393393.1 and 1 more transcripts); c.1147G>C, p.Val383Leu (NM_001164343.2, NM_001164344.4, NM_001164345.4 and 9 more transcripts); short protein forms V456L, V383L.
Identifiers: ClinVar variation 733316 (VCV000733316.7), dbSNP rs145364827, ClinGen allele CA2551316.
Genomic context (GRCh38, chr3:114,350,712, plus strand): 5'-AGAGCTGGGTACTTGGCAATGGCTGCCCGATGGACGTGTTGACCGAAGGCTGTTGTAGGA[C>G]GCTCTTGTCGGAGCTGTTGCTGACAGTGATAACAGTGCTGTCCATCTCCACTTCATTGCT-3'
Protein context (NP_001335729.1, residues 446-466): ITVSNSSDKS[Val456Leu]LQQPSVNTSI

ClinVar aggregate classification (germline): Benign/Likely benign. Review status: criteria provided, multiple submitters, no conflicts (2 of 4 stars). 4 submissions from 4 submitters: Benign (1); Likely benign (2). 1 of the submissions does not count toward it. Last evaluated 2025-02-13.

Conditions:
ZBTB20-related disorder. Also called: ZBTB20-related condition.
Inborn genetic diseases. Identifiers: MedGen C0950123, MeSH D030342.

Allele frequency attached by ClinVar (database versions not stated): gnomAD exomes 0.00001 and 0.00003; ExAC 0.00002; TOPMed 0.00002; gnomAD 0.00003; ESP Exome Variant Server 0.00008.
gnomAD v4.1: 42 of 1,614,088 alleles (0.0026%); highest among the groups gnomAD compares: Non-Finnish European, 0.0035%; no homozygotes.

Submissions (4):

Ambry Genetics
Classification: Likely benign for Inborn genetic diseases. Last evaluated: 2025-02-13. Review status: criteria provided, single submitter. Criteria: Ambry Variant Classification Scheme 2023. Collection method: clinical testing. Allele origin: germline.

Blueprint Genetics
Classification: Likely benign. Last evaluated: 2021-09-01. Review status: criteria provided, single submitter. Criteria: ACMG Guidelines, 2015. Collection method: clinical testing. Allele origin: germline.

Labcorp Genetics (formerly Invitae), Labcorp
Classification: Benign. Last evaluated: 2018-01-09. Review status: criteria provided, single submitter. Criteria: Invitae Variant Classification Sherloc (09022015). Collection method: clinical testing. Allele origin: germline.

PreventionGenetics, part of Exact Sciences
Classification: Uncertain significance for ZBTB20-related condition. Last evaluated: 2024-05-10. Review status: no assertion criteria provided. Collection method: clinical testing. Allele origin: germline. Not counted in ClinVar's aggregate classification.
Comment: The ZBTB20 c.1366G>C variant is predicted to result in the amino acid substitution p.Val456Leu. To our knowledge, this variant has not been reported in the literature. This variant is reported in 0.0062% of alleles in individuals of African descent in gnomAD. Although we suspect that this variant may be benign, at this time, the clinical significance of this variant is uncertain due to the absence of conclusive functional and genetic evidence.